The following is an entry in ClinVar:

ClinVar aggregate classification (germline): Uncertain significance. Review status: criteria provided, multiple submitters, no conflicts (2 of 4 stars). 2 submissions from 2 submitters: Uncertain significance (2). Last evaluated 2023-12-05.

Conditions:
Hereditary cancer-predisposing syndrome. Also called: Hereditary neoplastic syndrome; Hereditary Cancer Syndrome; Neoplastic Syndromes, Hereditary; Tumor predisposition. Identifiers: Orphanet 140162, MedGen C0027672, MeSH D009386, MONDO:0015356.

gnomAD v4.1: 1 of 1,614,212 alleles (0.000062%); no homozygotes.

Submissions (2):

Color Diagnostics, LLC DBA Color Health
Classification: Uncertain significance for Hereditary cancer-predisposing syndrome. Last evaluated: 2023-12-05. Review status: criteria provided, single submitter. Criteria: ACMG Guidelines, 2015. Collection method: clinical testing. Allele origin: germline.
Comment: This missense variant replaces valine with leucine at codon 212 of the RAD51D protein. Computational prediction suggests that this variant may not impact protein structure and function (internally defined REVEL score threshold <= 0.5, PMID: 27666373). To our knowledge, functional studies have not been reported for this variant. This variant has not been reported in individuals affected with RAD51D-related disorders in the literature. This variant has not been identified in the general population by the Genome Aggregation Database (gnomAD). The available evidence is insufficient to determine the role of this variant in disease conclusively. Therefore, this variant is classified as a Variant of Uncertain Significance.

Ambry Genetics
Classification: Uncertain significance for Hereditary cancer-predisposing syndrome. Last evaluated: 2020-01-06. Review status: criteria provided, single submitter. Criteria: Ambry Variant Classification Scheme 2023. Collection method: clinical testing. Allele origin: germline.
Comment: The p.V212L variant (also known as c.634G>C), located in coding exon 7 of the RAD51D gene, results from a G to C substitution at nucleotide position 634. The valine at codon 212 is replaced by leucine, an amino acid with highly similar properties. This amino acid position is well conserved in available vertebrate species. In addition, this alteration is predicted to be tolerated by in silico analysis. Since supporting evidence is limited at this time, the clinical significance of this alteration remains unclear.

NM_002878.4(RAD51D):c.634G>C (p.Val212Leu)

Genes: RAD51D (RAD51 paralog D; minus strand), RAD51L3-RFFL (RAD51L3-RFFL readthrough; minus strand). Cytogenetic location: 17q12.
Variant type: single nucleotide variant.
Coding change: c.634G>C on transcript NM_002878.4 (MANE Select); coding-DNA position 634, G replaced by C.
Protein change: p.Val212Leu; replaces valine 212 with leucine.
Molecular consequence: missense variant. On other transcripts: non-coding transcript variant (3).
Genome position (GRCh38, 1-based): chr17:35,103,487, C>G on the plus strand (G>C on the coding strand, the complement: RAD51D is on the minus strand). VCF-style: chr17-35103487-C-G. GRCh37 (hg19) VCF-style: chr17-33430506-C-G.
Other names: c.694G>C, p.Val232Leu (NM_001142571.2); c.298G>C, p.Val100Leu (NM_133629.3); short protein forms V212L, V232L, V100L.
Identifiers: ClinVar variation 230132 (VCV000230132.10), dbSNP rs730881948, ClinGen allele CA10580450.